The following is an entry in ClinVar:

NM_182914.3(SYNE2):c.12840+1G>A

Gene: SYNE2 (spectrin repeat containing nuclear envelope protein 2; plus strand). Cytogenetic location: 14q23.2.
Variant type: single nucleotide variant.
Coding change: c.12840+1G>A on transcript NM_182914.3 (MANE Select); the canonical splice donor site of the intron after coding-DNA position 12840, G replaced by A.
Molecular consequence: splice donor variant.
Genome position (GRCh38, 1-based): chr14:64,113,572, G>A. VCF-style: chr14-64113572-G-A. GRCh37 (hg19) VCF-style: chr14-64580290-G-A.
Other names: c.12840+1G>A (NM_015180.6).
Identifiers: ClinVar variation 937253 (VCV000937253.8), dbSNP rs2097829846, ClinGen allele CA389958851.

ClinVar aggregate classification (germline): Uncertain significance (1 of 4 stars; one submission).

Conditions:
Emery-Dreifuss muscular dystrophy 5, autosomal dominant (EDMD5). Also called: EMERY-DREIFUSS MUSCULAR DYSTROPHY 5. Identifiers: Orphanet 261, MedGen C2751805, MONDO:0013072, OMIM 612999.

Allele frequency attached by ClinVar (database versions not stated): gnomAD exomes below 0.00001.
gnomAD v4.1: 1 of 1,601,340 alleles (0.000062%); highest among the groups gnomAD compares: Non-Finnish European, 0.000085%; no homozygotes.

Submission:

Labcorp Genetics (formerly Invitae), Labcorp
Classification: Uncertain significance for Emery-Dreifuss muscular dystrophy 5, autosomal dominant. Last evaluated: 2025-12-08. Review status: criteria provided, single submitter. Criteria: Invitae Variant Classification Sherloc (09022015). Collection method: clinical testing. Allele origin: germline.
Comment: This sequence change affects a donor splice site in intron 66 of the SYNE2 gene. It is expected to disrupt RNA splicing. Variants that disrupt the donor or acceptor splice site typically lead to a loss of protein function (PMID: 16199547), however the current clinical and genetic evidence is not sufficient to establish whether loss-of-function variants in SYNE2 cause disease. This variant is not present in population databases (gnomAD no frequency). This variant has not been reported in the literature in individuals affected with SYNE2-related conditions. ClinVar contains an entry for this variant (Variation ID: 937253). Algorithms developed to predict the effect of sequence changes on RNA splicing suggest that this variant may disrupt the consensus splice site. In summary, the available evidence is currently insufficient to determine the role of this variant in disease. Therefore, it has been classified as a Variant of Uncertain Significance.

Literature cited by the submitters: PubMed 16199547.